The following is an entry in ClinVar:

ClinVar aggregate classification (germline): Benign/Likely benign. Review status: criteria provided, multiple submitters, no conflicts (2 of 4 stars). 7 submissions from 7 submitters: Benign (5); Likely benign (2). Last evaluated 2026-01-26.

Conditions:
Inborn genetic diseases. Identifiers: MedGen C0950123, MeSH D030342.
Cutis laxa, X-linked (OHS). Also called: Occipital horn syndrome; EDS IX. Identifiers: Orphanet 198, MedGen C0268353, MONDO:0010572, OMIM 304150.
X-linked distal spinal muscular atrophy type 3. Also called: ATP7A-Related Distal Motor Neuropathy; SPINAL MUSCULAR ATROPHY, DISTAL, X-LINKED RECESSIVE; NEURONOPATHY, DISTAL HEREDITARY MOTOR, X-LINKED; NEUROPATHY, DISTAL HEREDITARY MOTOR, X-LINKED. Identifiers: Orphanet 139557, MedGen C1845359, MONDO:0010338, OMIM 300489.
Menkes kinky-hair syndrome (MNK). Also called: Menkes Disease; Copper transport disease; Classic Menkes Disease. Identifiers: Orphanet 565, MedGen C0022716, MONDO:0010651, OMIM 309400.
Ehlers-Danlos syndrome (EDS). Identifiers: Orphanet 98249, MedGen C0013720, MONDO:0020066.

Allele frequency attached by ClinVar (database versions not stated): ESP Exome Variant Server 0.00047; gnomAD 0.00048 and 0.00051; TOPMed 0.00048; ExAC 0.00050; gnomAD exomes 0.00050 and 0.00082; 1000 Genomes Project 0.00053; 1000 Genomes Project 30x 0.00062.
gnomAD v4.1: 936 of 1,206,679 alleles (0.078%); highest among the groups gnomAD compares: South Asian, 0.2%; no homozygotes.

Submissions (9):

Labcorp Genetics (formerly Invitae), Labcorp
Classification: Benign for X-linked distal spinal muscular atrophy type 3; Cutis laxa, X-linked; Menkes kinky-hair syndrome. Last evaluated: 2026-01-26. Review status: criteria provided, single submitter. Criteria: Invitae Variant Classification Sherloc (09022015). Collection method: clinical testing. Allele origin: germline.

ARUP Laboratories, Molecular Genetics and Genomics, ARUP Laboratories
Classification: Benign. Last evaluated: 2025-05-21. Review status: criteria provided, single submitter. Criteria: ARUP Molecular Germline Variant Investigation Process 2024. Collection method: clinical testing. Allele origin: germline.

Blueprint Genetics
Classification: Likely benign. Last evaluated: 2024-09-20. Review status: criteria provided, single submitter. Criteria: ACMG Guidelines, 2015. Collection method: clinical testing. Allele origin: germline.

Mayo Clinic Laboratories, Mayo Clinic
Classification: Benign. Last evaluated: 2023-04-06. Review status: criteria provided, single submitter. Criteria: ACMG Guidelines, 2015. Collection method: clinical testing. Allele origin: germline. Observed: 11 variant alleles.
Comment: BS1, BS2, BP4, BP7

GeneDx
Classification: Benign. Last evaluated: 2020-04-13. Review status: criteria provided, single submitter. Criteria: GeneDx Variant Classification Process June 2021. Collection method: clinical testing. Allele origin: germline. Affected: yes.

Genome Diagnostics Laboratory, The Hospital for Sick Children
Classification: Likely benign for Ehlers-Danlos syndrome. Last evaluated: 2019-12-01. Review status: criteria provided, single submitter. Criteria: ACMG Guidelines, 2015. Collection method: clinical testing. Allele origin: germline.

Ambry Genetics
Classification: Benign for Inborn genetic diseases. Last evaluated: 2019-08-28. Review status: criteria provided, single submitter. Criteria: Ambry Variant Classification Scheme 2023. Collection method: clinical testing. Allele origin: germline.

Dr. Peter K. Rogan Lab, Western University
No classification provided (evidence only). Condition: Lung cancer. Review status: no classification provided. Collection method: in vitro. Allele origin: not applicable. Functional consequence: retained intron. Not counted in ClinVar's aggregate classification.

Dr. Peter K. Rogan Lab, Western University
No classification provided (evidence only). Condition: Malignant tumor of esophagus. Review status: no classification provided. Collection method: in vitro. Allele origin: not applicable. Functional consequence: retained intron. Not counted in ClinVar's aggregate classification.

NM_000052.7(ATP7A):c.3801+6T>C

Gene: ATP7A (ATPase copper transporting alpha; plus strand). Cytogenetic location: Xq21.1.
Variant type: single nucleotide variant.
Coding change: c.3801+6T>C on transcript NM_000052.7 (MANE Select); 6 bases into the intron after coding-DNA position 3801, T replaced by C.
Molecular consequence: intron variant.
Genome position (GRCh38, 1-based): chrX:78,040,739, T>C. VCF-style: chrX-78040739-T-C. GRCh37 (hg19) VCF-style: chrX-77296237-T-C.
Other names: p.?; c.3567+6T>C (NM_001282224.2).
Identifiers: ClinVar variation 465120 (VCV000465120.23), dbSNP rs181665434, ClinGen allele CA10459460.
Genomic context (GRCh38, chrX:78,040,739, plus strand): 5'-AGTAGTTCTGATGACTGGAGACAACAGTAAAACAGCTAGATCTATTGCTTCTCAGGTAAT[T>C]GATAGGGGTATGTGATAACTTCTAATTATTGATATACATTTTATATCTTGCCTTCAAATG-3'